The following is an entry in ClinVar:

ClinVar aggregate classification (germline): Conflicting classifications of pathogenicity. Review status: criteria provided, conflicting classifications (1 of 4 stars). 5 submissions from 5 submitters: Uncertain significance (4); Likely benign (1). Last evaluated 2023-11-30.

Conditions:
Hereditary breast ovarian cancer syndrome. Also called: Hereditary breast and ovarian cancer syndrome (HBOC); Hereditary breast and ovarian cancer; BRCA1- and BRCA2-Associated Hereditary Breast and Ovarian Cancer; Breast and ovarian cancer; Hereditary breast and ovarian cancer syndrome; Hereditary breast and/or ovarian cancer syndrome. Identifiers: Orphanet 145, MedGen C0677776, MeSH D061325, MONDO:0003582. Disease mechanism: loss of function.
Breast-ovarian cancer, familial, susceptibility to, 1 (BROVCA1). Also called: OVARIAN CANCER, SUSCEPTIBILITY TO; BRCA1 Hereditary Breast and Ovarian Cancer. Identifiers: Orphanet 145, MedGen C2676676, MONDO:0011450, OMIM 604370. Disease mechanism: loss of function.
Hereditary cancer-predisposing syndrome. Also called: Hereditary neoplastic syndrome; Tumor predisposition; Hereditary Cancer Syndrome; Neoplastic Syndromes, Hereditary. Identifiers: Orphanet 140162, MedGen C0027672, MeSH D009386, MONDO:0015356.

gnomAD v4.1: 1 of 1,614,126 alleles (0.000062%); highest among the groups gnomAD compares: African/African-American, 0.0013%; no homozygotes.

Submissions (5):

All of Us Research Program, National Institutes of Health
Classification: Uncertain significance for Breast-ovarian cancer, familial, susceptibility to, 1. Last evaluated: 2023-11-30. Review status: criteria provided, single submitter. Criteria: ACMG Guidelines, 2015. Collection method: clinical testing. Allele origin: germline. Inheritance: Autosomal dominant inheritance. Observed: 1 variant allele, 1 heterozygote.
Comment: This study involves interpretation of variants in research participants for the purpose of population health screening. Participant phenotype was not available at the time of variant classification. Additional details can be found in publication PMID: 35346344, PMCID: PMC8962531

University of Washington Department of Laboratory Medicine, University of Washington
Classification: Likely benign for Hereditary cancer-predisposing syndrome. Last evaluated: 2023-03-23. Review status: criteria provided, single submitter. Criteria: Dines et al. (Genet Med. 2020). Collection method: curation. Allele origin: germline.
Comment: Missense variant in a coldspot region where missense variants are very unlikely to be pathogenic (PMID:31911673).

BRCA1 coldspot (exon 11 using historical exon numbering). Reclassification based on statistical prior probability

Ambry Genetics
Classification: Uncertain significance for Hereditary cancer-predisposing syndrome. Last evaluated: 2022-09-07. Review status: criteria provided, single submitter. Criteria: Ambry Variant Classification Scheme 2023. Collection method: clinical testing. Allele origin: germline.
Comment: The p.V931M variant (also known as c.2791G>A), located in coding exon 9 of the BRCA1 gene, results from a G to A substitution at nucleotide position 2791. The valine at codon 931 is replaced by methionine, an amino acid with highly similar properties. This amino acid position is not well conserved in available vertebrate species. In addition, this alteration is predicted to be tolerated by in silico analysis. Since supporting evidence is limited at this time, the clinical significance of this alteration remains unclear.

Labcorp Genetics (formerly Invitae), Labcorp
Classification: Uncertain significance for Hereditary breast ovarian cancer syndrome. Last evaluated: 2022-03-25. Review status: criteria provided, single submitter. Criteria: Invitae Variant Classification Sherloc (09022015). Collection method: clinical testing. Allele origin: germline.
Comment: This sequence change replaces valine, which is neutral and non-polar, with methionine, which is neutral and non-polar, at codon 931 of the BRCA1 protein (p.Val931Met). This variant is not present in population databases (gnomAD no frequency). This variant has not been reported in the literature in individuals affected with BRCA1-related conditions. ClinVar contains an entry for this variant (Variation ID: 630796). Advanced modeling of protein sequence and biophysical properties (such as structural, functional, and spatial information, amino acid conservation, physicochemical variation, residue mobility, and thermodynamic stability) performed at Invitae indicates that this missense variant is not expected to disrupt BRCA1 protein function. In summary, the available evidence is currently insufficient to determine the role of this variant in disease. Therefore, it has been classified as a Variant of Uncertain Significance.

Color Diagnostics, LLC DBA Color Health
Classification: Uncertain significance for Hereditary cancer-predisposing syndrome. Last evaluated: 2019-05-22. Review status: criteria provided, single submitter. Criteria: ACMG Guidelines, 2015. Collection method: clinical testing. Allele origin: germline.

NM_007294.4(BRCA1):c.2791G>A (p.Val931Met)

Gene: BRCA1 (BRCA1 DNA repair associated; minus strand). Cytogenetic location: 17q21.31.
Variant type: single nucleotide variant.
Coding change: c.2791G>A on transcript NM_007294.4 (MANE Select); coding-DNA position 2791, G replaced by A.
Protein change: p.Val931Met; replaces valine 931 with methionine.
Molecular consequence: missense variant. On other transcripts: intron variant (137).
Genome position (GRCh38, 1-based): chr17:43,092,740, C>T on the plus strand (G>A on the coding strand, the complement: BRCA1 is on the minus strand). VCF-style: chr17-43092740-C-T. GRCh37 (hg19) VCF-style: chr17-41244757-C-T.
Other names: c.788-1708G>A (NM_001407978.1, NM_001407979.1, NM_001407977.1 and 17 more transcripts); c.644-1708G>A (NM_001408462.1, NM_001408470.1, NM_001408464.1 and 3 more transcripts); c.710-1708G>A (NM_001408414.1, NM_001408411.1, NM_001408415.1 and 2 more transcripts); c.578-1708G>A (NM_001408514.1, NM_001408485.1, NM_001408483.1 and 9 more transcripts); c.662-1708G>A (NM_001408447.1, NM_001408433.1, NM_001408446.1 and 6 more transcripts); c.785-1708G>A (NM_001408400.1, NM_001408392.1, NM_001407986.1 and 13 more transcripts); c.665-1708G>A (NM_001408441.1, NM_001408437.1, NM_001408429.1 and 12 more transcripts); c.647-1708G>A (NM_001408410.1, NM_001408458.1, NM_001408469.1 and 11 more transcripts); and 41 more; short protein forms V931M, V884M, V842M, V864M, V763M, V820M, V860M, V863M.
Identifiers: ClinVar variation 630796 (VCV000630796.14), dbSNP rs763639161, ClinGen allele CA10596413.